The following is an entry in ClinVar:

ClinVar aggregate classification (germline): Uncertain significance (1 of 4 stars; one submission).

Conditions:
Joubert syndrome 5 (JBTS5). Identifiers: Orphanet 2318, MedGen C1857780, MONDO:0012432, OMIM 610188.

Submission:

Sydney Genome Diagnostics, Children's Hospital Westmead
Classification: Uncertain significance for Joubert syndrome 5. Last evaluated: 2022-02-04. Review status: criteria provided, single submitter. Criteria: ACMG Guidelines, 2015. Collection method: clinical testing. Allele origin: germline.
Comment: The variant has not been reported in any population databases (i.e. gnomAD v2.1.1, ESP or dbSNP). To our knowledge, this variant has not been previously reported in the literature or any disease specific databases. In silico analysis of pathogenicity (through Alamut Visual v2.13) using PolyPhen2, SIFT and MutationTaster suggest that this variant does not affect protein function and is likely to be benign. However, this analysis alone cannot be used to exclude pathogenicity. This variant is considered to be a variant of uncertain clinical significance (VOUS) according to the ACMG guidelines (evidence used: PM2, PM3_Supporting, BP4).

NM_025114.4(CEP290):c.4102G>C (p.Asp1368His)

Gene: CEP290 (centrosomal protein 290; minus strand). Cytogenetic location: 12q21.32.
Variant type: single nucleotide variant.
Coding change: c.4102G>C on transcript NM_025114.4 (MANE Select); coding-DNA position 4102, G replaced by C.
Protein change: p.Asp1368His; replaces aspartic acid 1368 with histidine.
Molecular consequence: missense variant.
Genome position (GRCh38, 1-based): chr12:88,087,872, C>G on the plus strand (G>C on the coding strand, the complement: CEP290 is on the minus strand). VCF-style: chr12-88087872-C-G. GRCh37 (hg19) VCF-style: chr12-88481649-C-G.
Other names: short protein forms D1368H.
Identifiers: ClinVar variation 1697264 (VCV001697264.1), dbSNP rs184143186, ClinGen allele CA385999208.